The following is an entry in ClinVar:

NM_001029883.3(PCARE):c.767A>T (p.Lys256Met)

Gene: PCARE (photoreceptor cilium actin regulator; minus strand). Cytogenetic location: 2p23.2.
Variant type: single nucleotide variant.
Coding change: c.767A>T on transcript NM_001029883.3 (MANE Select); coding-DNA position 767, A replaced by T.
Protein change: p.Lys256Met; replaces lysine 256 with methionine.
Molecular consequence: missense variant.
Genome position (GRCh38, 1-based): chr2:29,073,495, T>A on the plus strand (A>T on the coding strand, the complement: PCARE is on the minus strand). VCF-style: chr2-29073495-T-A. GRCh37 (hg19) VCF-style: chr2-29296361-T-A.
Other names: short protein forms K256M.
Identifiers: ClinVar variation 2004886 (VCV002004886.4), dbSNP rs2465279170, ClinGen allele CA346481596.

ClinVar aggregate classification (germline): Uncertain significance (1 of 4 stars; one submission).

Allele frequency attached by ClinVar (database versions not stated): gnomAD exomes 0.00001.

Submission:

Labcorp Genetics (formerly Invitae), Labcorp
Classification: Uncertain significance. Last evaluated: 2023-05-15. Review status: criteria provided, single submitter. Criteria: Invitae Variant Classification Sherloc (09022015). Collection method: clinical testing. Allele origin: germline.
Comment: In summary, the available evidence is currently insufficient to determine the role of this variant in disease. Therefore, it has been classified as a Variant of Uncertain Significance. An algorithm developed to predict the effect of missense changes on protein structure and function (PolyPhen-2) suggests that this variant is likely to be disruptive. ClinVar contains an entry for this variant (Variation ID: 2004886). This variant has not been reported in the literature in individuals affected with PCARE-related conditions. This variant is not present in population databases (gnomAD no frequency). This sequence change replaces lysine, which is basic and polar, with methionine, which is neutral and non-polar, at codon 256 of the PCARE protein (p.Lys256Met).